The following is an entry in ClinVar:

ClinVar aggregate classification (germline): Uncertain significance. Review status: criteria provided, multiple submitters, no conflicts (2 of 4 stars). 2 submissions from 2 submitters: Uncertain significance (2). Last evaluated 2022-03-29.

Conditions:
Hereditary pancreatitis (PCTT). Also called: Hereditary chronic pancreatitis; PRSS1-Related Hereditary Pancreatitis. Identifiers: Orphanet 676, MedGen C0238339, MONDO:0008185, OMIM 167800.

Allele frequency attached by ClinVar (database versions not stated): TOPMed below 0.00001.

Submissions (2):

Ambry Genetics
Classification: Uncertain significance for Hereditary pancreatitis. Last evaluated: 2022-03-29. Review status: criteria provided, single submitter. Criteria: Ambry Variant Classification Scheme 2023. Collection method: clinical testing. Allele origin: germline.
Comment: The p.K76E variant (also known as c.226A>G), located in coding exon 3 of the CPA1 gene, results from an A to G substitution at nucleotide position 226. The lysine at codon 76 is replaced by glutamic acid, an amino acid with similar properties. This amino acid position is conserved. In addition, this alteration is predicted to be tolerated by in silico analysis. Since supporting evidence is limited at this time, the clinical significance of this alteration remains unclear.

Labcorp Genetics (formerly Invitae), Labcorp
Classification: Uncertain significance. Last evaluated: 2020-09-26. Review status: criteria provided, single submitter. Criteria: Invitae Variant Classification Sherloc (09022015). Collection method: clinical testing. Allele origin: germline.
Comment: This sequence change replaces lysine with glutamic acid at codon 76 of the CPA1 protein (p.Lys76Glu). The lysine residue is highly conserved and there is a small physicochemical difference between lysine and glutamic acid. In summary, the available evidence is currently insufficient to determine the role of this variant in disease. Therefore, it has been classified as a Variant of Uncertain Significance. Algorithms developed to predict the effect of missense changes on protein structure and function are either unavailable or do not agree on the potential impact of this missense change (SIFT: "Tolerated"; PolyPhen-2: "Probably Damaging"; Align-GVGD: "Class C0"). This variant has not been reported in the literature in individuals with CPA1-related conditions. This variant is not present in population databases (ExAC no frequency).

NM_001868.4(CPA1):c.226A>G (p.Lys76Glu)

Gene: CPA1 (carboxypeptidase A1; plus strand). Cytogenetic location: 7q32.2.
Variant type: single nucleotide variant.
Coding change: c.226A>G on transcript NM_001868.4 (MANE Select); coding-DNA position 226, A replaced by G.
Protein change: p.Lys76Glu; replaces lysine 76 with glutamic acid.
Molecular consequence: missense variant.
Genome position (GRCh38, 1-based): chr7:130,381,708, A>G. VCF-style: chr7-130381708-A-G. GRCh37 (hg19) VCF-style: chr7-130021549-A-G.
Other names: short protein forms K76E.
Identifiers: ClinVar variation 1023236 (VCV001023236.11), dbSNP rs1796407106, ClinGen allele CA369279874.